The following is an entry in ClinVar:

NM_032043.3(BRIP1):c.2143C>G (p.His715Asp)

Gene: BRIP1 (BRCA1 interacting DNA helicase 1; minus strand). Cytogenetic location: 17q23.2.
Variant type: single nucleotide variant.
Coding change: c.2143C>G on transcript NM_032043.3 (MANE Select); coding-DNA position 2143, C replaced by G.
Protein change: p.His715Asp; replaces histidine 715 with aspartic acid.
Molecular consequence: missense variant.
Genome position (GRCh38, 1-based): chr17:61,744,546, G>C on the plus strand (C>G on the coding strand, the complement: BRIP1 is on the minus strand). VCF-style: chr17-61744546-G-C. GRCh37 (hg19) VCF-style: chr17-59821907-G-C.
Other names: short protein forms H715D.
Identifiers: ClinVar variation 858425 (VCV000858425.10), dbSNP rs2077033211, ClinGen allele CA400483211.

ClinVar aggregate classification (germline): Uncertain significance (1 of 4 stars; one submission).

Conditions:
Fanconi anemia complementation group J. Also called: BRIP1-Related Fanconi Anemia. Identifiers: Orphanet 84, MedGen C1836860, MONDO:0012187, OMIM 609054.
Familial cancer of breast. Also called: hereditary breast carcinoma; BREAST CANCER, FAMILIAL; Hereditary breast cancer. Identifiers: Orphanet 227535, MedGen C0346153, MONDO:0016419, OMIM 114480. Disease mechanism: loss of function.

Submission:

Labcorp Genetics (formerly Invitae), Labcorp
Classification: Uncertain significance for Familial cancer of breast; Fanconi anemia complementation group J. Last evaluated: 2019-05-01. Review status: criteria provided, single submitter. Criteria: Invitae Variant Classification Sherloc (09022015). Collection method: clinical testing. Allele origin: germline.
Comment: In summary, the available evidence is currently insufficient to determine the role of this variant in disease. Therefore, it has been classified as a Variant of Uncertain Significance. Algorithms developed to predict the effect of missense changes on protein structure and function output the following: SIFT: "Tolerated"; PolyPhen-2: "Benign"; Align-GVGD: "Class C0". The aspartic acid amino acid residue is found in multiple mammalian species, suggesting that this missense change does not adversely affect protein function. These predictions have not been confirmed by published functional studies and their clinical significance is uncertain. This variant has not been reported in the literature in individuals with BRIP1-related conditions. This variant is not present in population databases (ExAC no frequency). This sequence change replaces histidine with aspartic acid at codon 715 of the BRIP1 protein (p.His715Asp). The histidine residue is weakly conserved and there is a moderate physicochemical difference between histidine and aspartic acid.